The following is an entry in ClinVar:

ClinVar aggregate classification (germline): Pathogenic. Review status: criteria provided, single submitter (1 of 4 stars). 2 submissions from 2 submitters: Pathogenic (1). 1 of the submissions does not count toward it. Last evaluated 2022-11-16.

Conditions:
Myopathy, reducing body, X-linked, early-onset, severe (RBMX1A). Also called: REDUCING BODY MYOPATHY, X-LINKED 1, SEVERE, WITH INFANTILE OR EARLY CHILDHOOD ONSET. Identifiers: Orphanet 97239, MedGen C4225423, MONDO:0010414, OMIM 300717.
X-linked myopathy with postural muscle atrophy. Also called: FHL1-Related Emery-Dreifuss Muscular Dystrophy, X-Linked. Identifiers: Orphanet 178461, MedGen C2678055, MONDO:0010401, OMIM 300696.

Submissions (2):

Labcorp Genetics (formerly Invitae), Labcorp
Classification: Pathogenic for X-linked myopathy with postural muscle atrophy. Last evaluated: 2022-11-16. Review status: criteria provided, single submitter. Criteria: Invitae Variant Classification Sherloc (09022015). Collection method: clinical testing. Allele origin: germline.
Comment: Algorithms developed to predict the effect of missense changes on protein structure and function are either unavailable or do not agree on the potential impact of this missense change (SIFT: "Deleterious"; PolyPhen-2: "Probably Damaging"; Align-GVGD: "Class C15"). ClinVar contains an entry for this variant (Variation ID: 11562). This missense change has been observed in individual(s) with X-linked dominant reducing body myopathy (PMID: 19181672). In at least one individual the variant was observed to be de novo. This variant is not present in population databases (gnomAD no frequency). This sequence change replaces histidine, which is basic and polar, with glutamine, which is neutral and polar, at codon 123 of the FHL1 protein (p.His123Gln). For these reasons, this variant has been classified as Pathogenic. This variant disrupts the p.His123 amino acid residue in FHL1. Other variant(s) that disrupt this residue have been determined to be pathogenic (PMID: 18274675, 19181672, 20633900, 24634512). This suggests that this residue is clinically significant, and that variants that disrupt this residue are likely to be disease-causing.

OMIM
Classification: Pathogenic for REDUCING BODY MYOPATHY, X-LINKED 1, SEVERE, WITH INFANTILE OR EARLY CHILDHOOD ONSET. Last evaluated: 2009-02-01. Review status: no assertion criteria provided. Collection method: literature only. Allele origin: germline. Not counted in ClinVar's aggregate classification.

Literature cited by the submitters: PubMed 19181672 (cited by Labcorp Genetics (formerly Invitae), Labcorp and OMIM); PubMed 18274675 (cited by Labcorp Genetics (formerly Invitae), Labcorp); PubMed 20633900 (cited by Labcorp Genetics (formerly Invitae), Labcorp); PubMed 24634512 (cited by Labcorp Genetics (formerly Invitae), Labcorp).

NM_001159699.2(FHL1):c.417C>G (p.His139Gln)

Gene: FHL1 (four and a half LIM domains 1; plus strand). Cytogenetic location: Xq26.3.
Variant type: single nucleotide variant.
Coding change: c.417C>G on transcript NM_001159699.2 (MANE Select); coding-DNA position 417, C replaced by G.
Protein change: p.His139Gln; replaces histidine 139 with glutamine.
Molecular consequence: missense variant. On other transcripts: non-coding transcript variant (1).
Genome position (GRCh38, 1-based): chrX:136,207,829, C>G. VCF-style: chrX-136207829-C-G. GRCh37 (hg19) VCF-style: chrX-135289988-C-G.
Other names: c.369C>G, p.His123Gln (NM_001159700.2, NM_001159702.3, NM_001159703.2 and 9 more transcripts); c.456C>G, p.His152Gln (NM_001159701.2); c.417C>G, p.His139Gln (NM_001330659.2); short protein forms H123Q, H139Q, H152Q.
Identifiers: ClinVar variation 11562 (VCV000011562.7), dbSNP rs267606813, ClinGen allele CA121571.